The following is an entry in ClinVar:

NM_030665.4(RAI1):c.4369G>A (p.Gly1457Arg)

Gene: RAI1 (retinoic acid induced 1; plus strand). Cytogenetic location: 17p11.2.
Variant type: single nucleotide variant.
Coding change: c.4369G>A on transcript NM_030665.4 (MANE Select); coding-DNA position 4369, G replaced by A.
Protein change: p.Gly1457Arg; replaces glycine 1457 with arginine.
Molecular consequence: missense variant.
Genome position (GRCh38, 1-based): chr17:17,797,317, G>A. VCF-style: chr17-17797317-G-A. GRCh37 (hg19) VCF-style: chr17-17700631-G-A.
Other names: short protein forms G1457R.
Identifiers: ClinVar variation 3375503 (VCV003375503.1).

ClinVar aggregate classification (germline): Uncertain significance (1 of 4 stars; one submission).

Submission:

GeneDx
Classification: Uncertain significance. Last evaluated: 2024-05-09. Review status: criteria provided, single submitter. Criteria: GeneDx Variant Classification Process June 2021. Collection method: clinical testing. Allele origin: germline. Affected: yes.
Comment: Not observed at significant frequency in large population cohorts (gnomAD); In silico analysis indicates that this missense variant does not alter protein structure/function; Has not been previously published as pathogenic or benign to our knowledge